The following is an entry in ClinVar:

ClinVar aggregate classification (germline): Likely pathogenic (1 of 4 stars; one submission).

Conditions:
Junctional epidermolysis bullosa gravis of Herlitz. Also called: Herlitz-type junctional epidermolysis bullosa; EPIDERMOLYSIS BULLOSA, JUNCTIONAL 1B, SEVERE; EPIDERMOLYSIS BULLOSA JUNCTIONALIS, HERLITZ TYPE; EPIDERMOLYSIS BULLOSA, JUNCTIONAL, HERLITZ-PEARSON TYPE; JEB-HERLITZ TYPE; Epidermolysis Bullosa Letalis. Identifiers: Orphanet 79404, MedGen C0079683, MONDO:0009182, OMIM 226700.

Submission:

Myriad Genetics, Inc.
Classification: Likely pathogenic for Junctional epidermolysis bullosa gravis of Herlitz. Last evaluated: 2021-12-17. Review status: criteria provided, single submitter. Criteria: Myriad Women's Health Autosomal Recessive and X-Linked Classification Criteria (2021). Collection method: clinical testing. Allele origin: unknown.
Comment: NM_005562.2(LAMC2):c.1120_1121ins13(A374Dfs*11) is expected to be pathogenic in the context of junctional epidermolysis bullosa, LAMC2-related. This variant is predicted to lead to an abnormal or absent protein product due to the creation of a premature termination codon in LAMC2, a gene where loss-of-function variants are known to be pathogenic. Please note: this variant was assessed in the context of healthy population screening.

NM_005562.3(LAMC2):c.1120_1121insACTGTCTCTTATA (p.Ala374fs)

Gene: LAMC2 (laminin subunit gamma 2; plus strand). Cytogenetic location: 1q25.3.
Variant type: Insertion.
Coding change: c.1120_1121insACTGTCTCTTATA on transcript NM_005562.3 (MANE Select); coding-DNA positions 1120 to 1121, ACTGTCTCTTATA inserted.
Protein change: p.Ala374fs; shifts the reading frame from alanine 374.
Molecular consequence: frameshift variant.
Genome position: GRCh38 VCF-style: chr1-183226751-G-GACTGTCTCTTATA. GRCh37 (hg19) VCF-style: chr1-183195886-G-GACTGTCTCTTATA.
Other names: c.1120_1121insACTGTCTCTTATA, p.Ala374fs (NM_018891.3); short protein forms A374fs.
Identifiers: ClinVar variation 1726468 (VCV001726468.2), dbSNP rs2526060163, ClinGen allele CA2580061618.